The following is an entry in ClinVar:

NM_024678.6(NARS2):c.922-14G>A

Gene: NARS2 (asparaginyl-tRNA synthetase 2, mitochondrial; minus strand). Cytogenetic location: 11q14.1.
Variant type: single nucleotide variant.
Coding change: c.922-14G>A on transcript NM_024678.6 (MANE Select); 14 bases into the intron before coding-DNA position 922, G replaced by A.
Molecular consequence: intron variant.
Genome position (GRCh38, 1-based): chr11:78,478,489, C>T on the plus strand (G>A on the coding strand, the complement: NARS2 is on the minus strand). VCF-style: chr11-78478489-C-T. GRCh37 (hg19) VCF-style: chr11-78189535-C-T.
Other names: c.241-14G>A (NM_001243251.2).
Identifiers: ClinVar variation 1611755 (VCV001611755.10), dbSNP rs373625110, ClinGen allele CA6205650.

ClinVar aggregate classification (germline): Likely benign. Review status: criteria provided, multiple submitters, no conflicts (2 of 4 stars). 3 submissions from 3 submitters: Likely benign (3). Last evaluated 2025-12-17.

Allele frequency attached by ClinVar (database versions not stated): gnomAD exomes 0.00014 and 0.00029; TOPMed 0.00014; 1000 Genomes Project 30x 0.00016; gnomAD 0.00017 and 0.00019; ESP Exome Variant Server 0.00018; 1000 Genomes Project 0.00020; ExAC 0.00055.
gnomAD v4.1: 179 of 1,199,110 alleles (0.015%); highest among the groups gnomAD compares: Admixed American, 0.037%; no homozygotes.

Submissions (3):

Women's Health and Genetics/Laboratory Corporation of America, LabCorp
Classification: Likely benign. Last evaluated: 2025-12-17. Review status: criteria provided, single submitter. Criteria: LabCorp Variant Classification Summary - May 2015. Collection method: clinical testing. Allele origin: germline.
Comment: Variant summary: NARS2 c.922-14G>A alters a non-conserved nucleotide located at a position not widely known to affect splicing. Consensus agreement among computation tools predict no significant impact on normal splicing. However, these predictions have yet to be confirmed by functional studies. The variant allele was found at a frequency of 0.00029 in 106884 control chromosomes. This frequency is not significantly higher than estimated for disease-causing variants in NARS2, allowing no conclusion about variant significance. To our knowledge, no occurrence of c.922-14G>A in individuals affected with NARS2-related conditions and no experimental evidence demonstrating its impact on protein function have been reported. ClinVar contains an entry for this variant (Variation ID: 1611755). Based on the evidence outlined above, the variant was classified as likely benign.

Blueprint Genetics
Classification: Likely benign. Last evaluated: 2024-10-10. Review status: criteria provided, single submitter. Criteria: ACMG Guidelines, 2015. Collection method: clinical testing. Allele origin: germline.

Labcorp Genetics (formerly Invitae), Labcorp
Classification: Likely benign. Last evaluated: 2024-09-15. Review status: criteria provided, single submitter. Criteria: Invitae Variant Classification Sherloc (09022015). Collection method: clinical testing. Allele origin: germline.